The following is an entry in ClinVar:

ClinVar aggregate classification (germline): Uncertain significance. Review status: criteria provided, multiple submitters, no conflicts (2 of 4 stars). 7 submissions from 5 submitters: Uncertain significance (6). 1 of the submissions does not count toward it. Last evaluated 2025-10-02.

Conditions:
Usher syndrome type 1 (USH1). Also called: RETINITIS PIGMENTOSA AND CONGENITAL DEAFNESS. Identifiers: Orphanet 231169, Orphanet 886, MedGen C1568247, MONDO:0010168, OMIM 276900.
Usher syndrome type 1B (USH1B). Also called: Usher syndrome type IB. Identifiers: MedGen C1848638, MONDO:0700087.
Autosomal recessive nonsyndromic hearing loss 2. Also called: NEUROSENSORY NONSYNDROMIC RECESSIVE DEAFNESS 2; DEAFNESS, AUTOSOMAL RECESSIVE 2. Identifiers: Orphanet 90636, MedGen C1838701, MONDO:0010807, OMIM 600060.
Autosomal dominant nonsyndromic hearing loss 11. Identifiers: Orphanet 90635, MedGen C1832475, MONDO:0011032, OMIM 601317.
Inborn genetic diseases. Identifiers: MedGen C0950123, MeSH D030342.

Allele frequency attached by ClinVar (database versions not stated): gnomAD 0.00001; TOPMed 0.00002; ExAC 0.00007.
gnomAD v4.1: 17 of 1,547,368 alleles (0.0011%); highest among the groups gnomAD compares: East Asian, 0.0073%; no homozygotes.

Submissions (7):

Ambry Genetics
Classification: Uncertain significance for Inborn genetic diseases. Last evaluated: 2025-10-02. Review status: criteria provided, single submitter. Criteria: Ambry Variant Classification Scheme 2023. Collection method: clinical testing. Allele origin: germline.

Labcorp Genetics (formerly Invitae), Labcorp
Classification: Uncertain significance. Last evaluated: 2025-03-31. Review status: criteria provided, single submitter. Criteria: Invitae Variant Classification Sherloc (09022015). Collection method: clinical testing. Allele origin: germline.
Comment: This sequence change replaces arginine, which is basic and polar, with cysteine, which is neutral and slightly polar, at codon 816 of the MYO7A protein (p.Arg816Cys). This variant is present in population databases (rs781926175, gnomAD 0.02%). This variant has not been reported in the literature in individuals affected with MYO7A-related conditions. ClinVar contains an entry for this variant (Variation ID: 848652). Invitae Evidence Modeling of protein sequence and biophysical properties (such as structural, functional, and spatial information, amino acid conservation, physicochemical variation, residue mobility, and thermodynamic stability) indicates that this missense variant is not expected to disrupt MYO7A protein function with a negative predictive value of 95%. In summary, the available evidence is currently insufficient to determine the role of this variant in disease. Therefore, it has been classified as a Variant of Uncertain Significance.

Blueprint Genetics
Classification: Uncertain significance. Last evaluated: 2023-05-03. Review status: criteria provided, single submitter. Criteria: ACMG Guidelines, 2015. Collection method: clinical testing. Allele origin: germline.

Genome-Nilou Lab
Classification: Uncertain significance for Autosomal dominant nonsyndromic hearing loss 11. Last evaluated: 2021-07-14. Review status: criteria provided, single submitter. Criteria: ACMG Guidelines, 2015. Collection method: clinical testing. Allele origin: germline. Affected: no.

Genome-Nilou Lab
Classification: Uncertain significance for Autosomal recessive nonsyndromic hearing loss 2. Last evaluated: 2021-07-14. Review status: criteria provided, single submitter. Criteria: ACMG Guidelines, 2015. Collection method: clinical testing. Allele origin: germline. Affected: no.

Genome-Nilou Lab
Classification: Uncertain significance for Usher syndrome type 1. Last evaluated: 2021-07-14. Review status: criteria provided, single submitter. Criteria: ACMG Guidelines, 2015. Collection method: clinical testing. Allele origin: germline. Affected: no.

Natera, Inc.
Classification: Uncertain significance for Usher syndrome type 1B. Last evaluated: 2020-09-16. Review status: no assertion criteria provided. Collection method: clinical testing. Allele origin: germline. Not counted in ClinVar's aggregate classification.

NM_000260.4(MYO7A):c.2446C>T (p.Arg816Cys)

Gene: MYO7A (myosin VIIA; plus strand). Cytogenetic location: 11q13.5.
Variant type: single nucleotide variant.
Coding change: c.2446C>T on transcript NM_000260.4 (MANE Select); coding-DNA position 2446, C replaced by T.
Protein change: p.Arg816Cys; replaces arginine 816 with cysteine.
Molecular consequence: missense variant.
Genome position (GRCh38, 1-based): chr11:77,179,813, C>T. VCF-style: chr11-77179813-C-T. GRCh37 (hg19) VCF-style: chr11-76890859-C-T.
Other names: c.2446C>T, p.Arg816Cys (NM_001127180.2); c.2413C>T, p.Arg805Cys (NM_001369365.1); short protein forms R805C, R816C.
Identifiers: ClinVar variation 848652 (VCV000848652.11), dbSNP rs781926175, ClinGen allele CA6197844.